The following is an entry in ClinVar:

ClinVar aggregate classification (germline): Uncertain significance. Review status: criteria provided, multiple submitters, no conflicts (2 of 4 stars). 3 submissions from 3 submitters: Uncertain significance (3). Last evaluated 2025-04-20.

Conditions:
Arrhythmogenic right ventricular cardiomyopathy (ARVD). Also called: Cardiomyopathy, ARVC; Arrhythmogenic right ventricular dysplasia; Arrhythmogenic Right Ventricular Cardiomyopathy (ARVC); Arrhythmogenic cardiomyopathy. Identifiers: Orphanet 247, MedGen C0349788, MeSH D019571, MONDO:0016587. Disease mechanism: loss of function. Inheritance: Various modes of inheritance.
Cardiomyopathy (CMYO). Also called: Cardiomyopathies. Identifiers: Orphanet 167848, MedGen C0878544, MONDO:0004994, HP:0001638. Inheritance: Various modes of inheritance.
Arrhythmogenic right ventricular dysplasia 9 (ARVD9). Also called: Arrhythmogenic Right Ventricular Dysplasia/Cardiomyopathy 9; ARRHYTHMOGENIC RIGHT VENTRICULAR DYSPLASIA, FAMILIAL, 9. Identifiers: MedGen C1836906, MONDO:0012180, OMIM 609040.

Allele frequency attached by ClinVar (database versions not stated): gnomAD 0.00001; TOPMed 0.00001.

Submissions (3):

Color Diagnostics, LLC DBA Color Health
Classification: Uncertain significance for Cardiomyopathy. Last evaluated: 2025-04-20. Review status: criteria provided, single submitter. Criteria: ACMG Guidelines, 2015. Collection method: clinical testing. Allele origin: germline.
Comment: This missense variant replaces threonine with asparagine at codon 177 of the PKP2 protein. Computational prediction suggests that this variant may not impact protein structure and function. To our knowledge, functional studies have not been reported for this variant. This variant has not been reported in individuals affected with PKP2-related disorders in the literature. This variant has not been identified in the general population by the Genome Aggregation Database (gnomAD). The available evidence is insufficient to determine the role of this variant in disease conclusively. Therefore, this variant is classified as a Variant of Uncertain Significance.

Labcorp Genetics (formerly Invitae), Labcorp
Classification: Uncertain significance for Arrhythmogenic right ventricular dysplasia 9. Last evaluated: 2024-06-24. Review status: criteria provided, single submitter. Criteria: Invitae Variant Classification Sherloc (09022015). Collection method: clinical testing. Allele origin: germline.
Comment: This sequence change replaces threonine, which is neutral and polar, with asparagine, which is neutral and polar, at codon 177 of the PKP2 protein (p.Thr177Asn). This variant is not present in population databases (gnomAD no frequency). This variant has not been reported in the literature in individuals affected with PKP2-related conditions. ClinVar contains an entry for this variant (Variation ID: 1409116). Algorithms developed to predict the effect of missense changes on protein structure and function output the following: SIFT: "Not Available"; PolyPhen-2: "Benign"; Align-GVGD: "Not Available". The asparagine amino acid residue is found in multiple mammalian species, which suggests that this missense change does not adversely affect protein function. In summary, the available evidence is currently insufficient to determine the role of this variant in disease. Therefore, it has been classified as a Variant of Uncertain Significance.

All of Us Research Program, National Institutes of Health
Classification: Uncertain significance for Arrhythmogenic right ventricular cardiomyopathy. Last evaluated: 2023-08-15. Review status: criteria provided, single submitter. Criteria: ACMG Guidelines, 2015. Collection method: clinical testing. Allele origin: germline. Inheritance: Autosomal dominant inheritance. Observed: 2 variant alleles, 2 heterozygotes.
Comment: This study involves interpretation of variants in research participants for the purpose of population health screening. Participant phenotype was not available at the time of variant classification. Additional details can be found in publication PMID: 35346344, PMCID: PMC8962531

NM_001005242.3(PKP2):c.530C>A (p.Thr177Asn)

Gene: PKP2 (plakophilin 2; minus strand). Cytogenetic location: 12p11.21.
Variant type: single nucleotide variant.
Coding change: c.530C>A on transcript NM_001005242.3 (MANE Select); coding-DNA position 530, C replaced by A.
Protein change: p.Thr177Asn; replaces threonine 177 with asparagine.
Molecular consequence: missense variant.
Genome position (GRCh38, 1-based): chr12:32,878,350, G>T on the plus strand (C>A on the coding strand, the complement: PKP2 is on the minus strand). VCF-style: chr12-32878350-G-T. GRCh37 (hg19) VCF-style: chr12-33031284-G-T.
Other names: c.530C>A, p.Thr177Asn (NM_004572.4); short protein forms T177N.
Identifiers: ClinVar variation 1409116 (VCV001409116.9), dbSNP rs779467662, ClinGen allele CA384364687.